The following is an entry in ClinVar:

NM_001378454.1(ALMS1):c.1785dup (p.Glu596Ter)

Gene: ALMS1 (ALMS1 centrosome and basal body associated protein; plus strand). Cytogenetic location: 2p13.1.
Variant type: Duplication.
Coding change: c.1785dup on transcript NM_001378454.1 (MANE Select); coding-DNA position 1785, one base duplicated (T; older notation c.1785dupT).
Protein change: p.Glu596Ter; replaces glutamic acid 596 with a stop codon.
Molecular consequence: nonsense.
Genome position (GRCh38, 1-based): chr2:73,448,312, T duplicated. VCF-style (leftmost placement, unchanged base first): chr2-73448311-C-CT. GRCh37 (hg19) VCF-style: chr2-73675438-C-CT.
Other names: c.1788dup, p.Glu597Ter (NM_015120.4); short protein forms E596*, E597*.
Identifiers: ClinVar variation 2055134 (VCV002055134.4), dbSNP rs2466092302, ClinGen allele CA2580067874.
Genomic context (GRCh38, chr2:73,448,311, plus strand): 5'-ACTCACATAGGGGGAAGCCCAGCATTTTCTACCAGCAGGGCTTGCCAGACAGTCATCTAA[C>CT]TGAAGAGGCTTTGAAAGTTTCAGCTGCTCCTGGACTAGCTGACCAGACAACTGGCATGTC-3'

ClinVar aggregate classification (germline): Pathogenic (1 of 4 stars; one submission).

Conditions:
Alstrom syndrome (ALMS). Identifiers: Orphanet 64, MedGen C0268425, MONDO:0008763, OMIM 203800.

Submission:

Labcorp Genetics (formerly Invitae), Labcorp
Classification: Pathogenic for Alstrom syndrome. Last evaluated: 2021-12-23. Review status: criteria provided, single submitter. Criteria: Invitae Variant Classification Sherloc (09022015). Collection method: clinical testing. Allele origin: germline.
Comment: For these reasons, this variant has been classified as Pathogenic. This variant has not been reported in the literature in individuals affected with ALMS1-related conditions. This variant is not present in population databases (gnomAD no frequency). This sequence change creates a premature translational stop signal (p.Glu597*) in the ALMS1 gene. It is expected to result in an absent or disrupted protein product. Loss-of-function variants in ALMS1 are known to be pathogenic (PMID: 17594715).

Literature cited by the submitters: PubMed 17594715.